The following is an entry in ClinVar:

NM_006059.4(LAMC3):c.276C>T (p.Thr92=)

Gene: LAMC3 (laminin subunit gamma 3; plus strand). Cytogenetic location: 9q34.12.
Variant type: single nucleotide variant.
Coding change: c.276C>T on transcript NM_006059.4 (MANE Select); coding-DNA position 276, C replaced by T.
Protein change: p.Thr92=; no amino-acid change (threonine 92 retained).
Molecular consequence: synonymous variant.
Genome position (GRCh38, 1-based): chr9:131,009,490, C>T. VCF-style: chr9-131009490-C-T. GRCh37 (hg19) VCF-style: chr9-133884877-C-T.
Identifiers: ClinVar variation 2659621 (VCV002659621.24), dbSNP rs1370087667, ClinGen allele CA467498229.

ClinVar aggregate classification (germline): Likely benign (1 of 4 stars; one submission).

Allele frequency attached by ClinVar (database versions not stated): gnomAD exomes below 0.00001.

Submission:

CeGaT Center for Human Genetics Tuebingen
Classification: Likely benign. Last evaluated: 2023-02-01. Review status: criteria provided, single submitter. Criteria: CeGaT Center For Human Genetics Tuebingen Variant Classification Criteria Version 2. Collection method: clinical testing. Allele origin: germline. Affected: yes. Observed: 1 variant allele.
Comment: LAMC3: BP4, BP7